The following is an entry in ClinVar:

NM_006793.5(PRDX3):c.508C>T (p.Arg170Ter)

Gene: PRDX3 (peroxiredoxin 3; minus strand). Cytogenetic location: 10q26.11.
Variant type: single nucleotide variant.
Coding change: c.508C>T on transcript NM_006793.5 (MANE Select); coding-DNA position 508, C replaced by T.
Protein change: p.Arg170Ter; replaces arginine 170 with a stop codon.
Molecular consequence: nonsense. On other transcripts: non-coding transcript variant (3).
Genome position (GRCh38, 1-based): chr10:119,172,425, G>A on the plus strand (C>T on the coding strand, the complement: PRDX3 is on the minus strand). VCF-style: chr10-119172425-G-A. GRCh37 (hg19) VCF-style: chr10-120931937-G-A.
Other names: c.508C>T, p.Arg170Ter (NM_001302272.2); short protein forms R170*.
Identifiers: ClinVar variation 1686992 (VCV001686992.2), dbSNP rs140609531, ClinGen allele CA5714874.

ClinVar aggregate classification (germline): Likely pathogenic. Review status: criteria provided, single submitter (1 of 4 stars). 2 submissions from 2 submitters: Likely pathogenic (1). 1 of the submissions does not count toward it. Last evaluated 2022-09-01.

Conditions:
Spinocerebellar ataxia, autosomal recessive 32 (SCAR32). Identifiers: MedGen C5676978, MONDO:0859245, OMIM 619862.

Allele frequency attached by ClinVar (database versions not stated): ExAC 0.00006.

Submissions (2):

3billion
Classification: Likely pathogenic for Spinocerebellar ataxia, autosomal recessive 32. Last evaluated: 2022-09-01. Review status: criteria provided, single submitter. Criteria: ACMG Guidelines, 2015. Collection method: clinical testing. Allele origin: germline. Affected: yes. Observed: 1 heterozygote.
Comment: The variant is observed at an extremely low frequency in the gnomAD v2.1.1 dataset (total allele frequency: 0.003%). Stop-gained (nonsense) is predicted to result in a loss or disruption of normal protein function through nonsense-mediated decay (NMD) or protein truncation. Multiple pathogenic variants are reported downstream of the variant. The variant is in trans with the other variant (NM_006793.5:c.451G>A ) Therefore, this variant is classified as Likely pathogenic according to the recommendation of ACMG/AMP guideline.

OMIM
Classification: Pathogenic for SPINOCEREBELLAR ATAXIA, AUTOSOMAL RECESSIVE 32. Last evaluated: 2022-05-16. Review status: no assertion criteria provided. Collection method: literature only. Allele origin: germline. Not counted in ClinVar's aggregate classification.

Literature cited by the submitters: PubMed 33889951 (cited by OMIM).